The following is an entry in ClinVar:

ClinVar aggregate classification (germline): Uncertain significance (1 of 4 stars; one submission).

Conditions:
Congenital myasthenic syndrome 3A. Also called: Myasthenic syndrome, congenital, 3a, slow-channel. Identifiers: Orphanet 590, MedGen C4225372, MONDO:0014583, OMIM 616321.
Congenital myasthenic syndrome 3B (CMS3B). Also called: Myasthenic syndrome, congenital, 3B, fast-channel. Identifiers: Orphanet 590, MedGen C4225371, MONDO:0014584, OMIM 616322.
Congenital myasthenic syndrome 3C. Also called: Myasthenic syndrome, congenital, 3c, associated with acetylcholine receptor deficiency. Identifiers: Orphanet 590, MedGen C4225370, MONDO:0014585, OMIM 616323.
Lethal multiple pterygium syndrome (LMPS). Identifiers: Orphanet 33108, MedGen C1854678, MONDO:0009668, OMIM 253290.

Submission:

Juno Genomics, Hangzhou Juno Genomics, Inc
Classification: Uncertain significance for Congenital myasthenic syndrome 3A; Congenital myasthenic syndrome 3C; Lethal multiple pterygium syndrome; Congenital myasthenic syndrome 3B. Review status: criteria provided, single submitter. Criteria: ACMG Guidelines, 2015. Collection method: clinical testing. Allele origin: germline.
Comment: Absent from controls (or at extremely low frequency if recessive) in Genome Aggregation Database.;Multiple lines of computational evidence support a deleterious effect on the gene or gene product.

NM_000751.3(CHRND):c.368T>C (p.Phe123Ser)

Gene: CHRND (cholinergic receptor nicotinic delta subunit; plus strand). Cytogenetic location: 2q37.1.
Variant type: single nucleotide variant.
Coding change: c.368T>C on transcript NM_000751.3 (MANE Select); coding-DNA position 368, T replaced by C.
Protein change: p.Phe123Ser; replaces phenylalanine 123 with serine.
Molecular consequence: missense variant.
Genome position (GRCh38, 1-based): chr2:232,528,515, T>C. VCF-style: chr2-232528515-T-C. GRCh37 (hg19) VCF-style: chr2-233393225-T-C.
Other names: c.323T>C, p.Phe108Ser (NM_001256657.2); c.97T>C, p.Ser33Pro (NM_001311195.2); c.65T>C, p.Phe22Ser (NM_001311196.2); short protein forms F123S, F22S, F108S, S33P.
Identifiers: ClinVar variation 5006247 (VCV005006247.2).
Genomic context (GRCh38, chr2:232,528,515, plus strand): 5'-TCGTGAGTGGCCAGAGCTCACTATGGTTCTTGTCCCTGTCCCCCAGCAATGACGGCTCCT[T>C]CCAGATCTCCTACTCCTGCAACGTGCTTGTCTACCACTACGGCTTCGTGTACTGGCTGCC-3'
Protein context (NP_000742.1, residues 113-133): IVLENNNDGS[Phe123Ser]QISYSCNVLV